The following is an entry in ClinVar:

ClinVar aggregate classification (germline): Uncertain significance. Review status: criteria provided, multiple submitters, no conflicts (2 of 4 stars). 2 submissions from 2 submitters: Uncertain significance (2). Last evaluated 2021-11-10.

gnomAD v4.1: 3 of 1,613,846 alleles (0.00019%); highest among the groups gnomAD compares: Non-Finnish European, 0.00025%; no homozygotes.

Submissions (2):

Blueprint Genetics
Classification: Uncertain significance. Last evaluated: 2021-11-10. Review status: criteria provided, single submitter. Criteria: ACMG Guidelines, 2015. Collection method: clinical testing. Allele origin: germline.

Labcorp Genetics (formerly Invitae), Labcorp
Classification: Uncertain significance. Last evaluated: 2021-03-05. Review status: criteria provided, single submitter. Criteria: Invitae Variant Classification Sherloc (09022015). Collection method: clinical testing. Allele origin: germline.
Comment: This sequence change replaces methionine with lysine at codon 859 of the PROM1 protein (p.Met859Lys). The methionine residue is weakly conserved and there is a moderate physicochemical difference between methionine and lysine. This variant is not present in population databases (ExAC no frequency). This variant has not been reported in the literature in individuals with PROM1-related conditions. Algorithms developed to predict the effect of missense changes on protein structure and function are either unavailable or do not agree on the potential impact of this missense change (SIFT: "Tolerated"; PolyPhen-2: "Possibly Damaging"; Align-GVGD: "Class C0"). Algorithms developed to predict the effect of sequence changes on RNA splicing suggest that this variant may create or strengthen a splice site, but this prediction has not been confirmed by published transcriptional studies. In summary, the available evidence is currently insufficient to determine the role of this variant in disease. Therefore, it has been classified as a Variant of Uncertain Significance.

NM_006017.3(PROM1):c.2576T>A (p.Met859Lys)

Gene: PROM1 (prominin 1; minus strand). Cytogenetic location: 4p15.32.
Variant type: single nucleotide variant.
Coding change: c.2576T>A on transcript NM_006017.3 (MANE Select); coding-DNA position 2576, T replaced by A.
Protein change: p.Met859Lys; replaces methionine 859 with lysine.
Molecular consequence: missense variant. On other transcripts: intron variant (6).
Genome position (GRCh38, 1-based): chr4:15,979,401, A>T on the plus strand (T>A on the coding strand, the complement: PROM1 is on the minus strand). VCF-style: chr4-15979401-A-T. GRCh37 (hg19) VCF-style: chr4-15981024-A-T.
Other names: c.2549T>A, p.Met850Lys (NM_001145847.2, NM_001145848.2, NM_001371406.1); c.2462+1021T>A (NM_001145852.2, NM_001371408.1, NM_001371407.1); c.2489+1021T>A (NM_001145850.2); c.2486+480T>A (NM_001145851.2); c.2513+480T>A (NM_001145849.2); short protein forms M850K, M859K.
Identifiers: ClinVar variation 1018809 (VCV001018809.10), dbSNP rs1241742160, ClinGen allele CA356425516.